The following is an entry in ClinVar:

NM_207034.3(EDN3):c.380A>G (p.Tyr127Cys)

Gene: EDN3 (endothelin 3; plus strand). Cytogenetic location: 20q13.32.
Variant type: single nucleotide variant.
Coding change: c.380A>G on transcript NM_207034.3 (MANE Select); coding-DNA position 380, A replaced by G.
Protein change: p.Tyr127Cys; replaces tyrosine 127 with cysteine.
Molecular consequence: missense variant.
Genome position (GRCh38, 1-based): chr20:59,321,031, A>G. VCF-style: chr20-59321031-A-G. GRCh37 (hg19) VCF-style: chr20-57896086-A-G.
Other names: c.380A>G, p.Tyr127Cys (NM_001302455.2, NM_001302456.2, NM_207032.3 and 1 more transcripts); short protein forms Y127C.
Identifiers: ClinVar variation 2138366 (VCV002138366.4), dbSNP rs752400458, ClinGen allele CA9930363.

ClinVar aggregate classification (germline): Uncertain significance (1 of 4 stars; one submission).

Allele frequency attached by ClinVar (database versions not stated): gnomAD exomes below 0.00001; ExAC 0.00001.
gnomAD v4.1: 3 of 1,614,138 alleles (0.00019%); highest among the groups gnomAD compares: Non-Finnish European, 0.00017%; no homozygotes.

Submission:

Labcorp Genetics (formerly Invitae), Labcorp
Classification: Uncertain significance. Last evaluated: 2022-02-02. Review status: criteria provided, single submitter. Criteria: Invitae Variant Classification Sherloc (09022015). Collection method: clinical testing. Allele origin: germline.
Comment: In summary, the available evidence is currently insufficient to determine the role of this variant in disease. Therefore, it has been classified as a Variant of Uncertain Significance. Algorithms developed to predict the effect of missense changes on protein structure and function are either unavailable or do not agree on the potential impact of this missense change (SIFT: "Deleterious"; PolyPhen-2: "Probably Damaging"; Align-GVGD: "Class C0"). This missense change has been observed in individual(s) with Waardenburg syndrome (PMID: 12189494). This variant is present in population databases (rs752400458, gnomAD 0.006%). This sequence change replaces tyrosine, which is neutral and polar, with cysteine, which is neutral and slightly polar, at codon 127 of the EDN3 protein (p.Tyr127Cys).

Literature cited by the submitters: PubMed 12189494.